The following is an entry in ClinVar:

ClinVar aggregate classification (germline): Conflicting classifications of pathogenicity. Review status: criteria provided, conflicting classifications (1 of 4 stars). 4 submissions from 4 submitters: Pathogenic (2); Likely pathogenic (1); Uncertain significance (1). Last evaluated 2023-05-18.

Conditions:
Marfan syndrome (MFS). Also called: MARFAN SYNDROME, TYPE I; FBN1-Related Marfan Syndrome; Marfan syndrome type 1; Marfan's syndrome; Marfan syndrome, classic. Identifiers: Orphanet 284963, Orphanet 558, MedGen C0024796, MONDO:0007947, OMIM 154700.
Familial thoracic aortic aneurysm and aortic dissection (TAAD). Also called: Thoracic aortic aneurysms and dissections. Identifiers: Orphanet 91387, MedGen C4707243, MONDO:0019625.

Submissions (4):

Ambry Genetics
Classification: Likely pathogenic for Familial thoracic aortic aneurysm and aortic dissection. Last evaluated: 2023-05-18. Review status: criteria provided, single submitter. Criteria: Ambry Variant Classification Scheme 2023. Collection method: clinical testing. Allele origin: germline.
Comment: The p.G2595D variant (also known as c.7784G>A), located in coding exon 62 of the FBN1 gene, results from a G to A substitution at nucleotide position 7784. The glycine at codon 2595 is replaced by aspartic acid, an amino acid with similar properties. This alteration has been detected in individuals reported to have features consistent with Marfan syndrome (external clinical lab, pers comm; Ambry internal data). In the literature, this alteration has been reported in an individual with non-syndromic thoracic aortic aneurysm and dissection, and an individual reported to have features of Marfan syndrome; however, details were limited (Tan L et al. Hum Mol Genet, 2017 12;26:4814-4822; Groth KA et al. Genet Med, 2017 07;19:772-777). Based on internal structural analysis, this variant is predicted to be structurally destabilizing (Jensen SA et al. Structure. 2009 May;17(5):759-68; Ambry internal data). This variant is considered to be rare based on population cohorts in the Genome Aggregation Database (gnomAD). This amino acid position is highly conserved in available vertebrate species. In addition, this alteration is predicted to be deleterious by in silico analysis. Based on the majority of available evidence to date, this variant is likely to be pathogenic.

Labcorp Genetics (formerly Invitae), Labcorp
Classification: Pathogenic for Marfan syndrome; Familial thoracic aortic aneurysm and aortic dissection. Last evaluated: 2022-06-04. Review status: criteria provided, single submitter. Criteria: Invitae Variant Classification Sherloc (09022015). Collection method: clinical testing. Allele origin: germline.
Comment: This sequence change replaces glycine, which is neutral and non-polar, with aspartic acid, which is acidic and polar, at codon 2595 of the FBN1 protein (p.Gly2595Asp). This variant is not present in population databases (gnomAD no frequency). This missense change has been observed in individuals with Marfan syndrome or non-syndromic aortic dissection (PMID: 27906200, 28973303; Invitae). ClinVar contains an entry for this variant (Variation ID: 495651). Advanced modeling of protein sequence and biophysical properties (such as structural, functional, and spatial information, amino acid conservation, physicochemical variation, residue mobility, and thermodynamic stability) performed at Invitae indicates that this missense variant is expected to disrupt FBN1 protein function. This variant disrupts the p.Gly2595 amino acid residue in FBN1. Other variant(s) that disrupt this residue have been observed in individuals with FBN1-related conditions (PMID: 24793577, 25652356, 27906200), which suggests that this may be a clinically significant amino acid residue. For these reasons, this variant has been classified as Pathogenic.

Women's Health and Genetics/Laboratory Corporation of America, LabCorp
Classification: Uncertain significance. Last evaluated: 2017-06-06. Review status: criteria provided, single submitter. Criteria: LabCorp Variant Classification Summary - May 2015. Collection method: clinical testing. Allele origin: germline.
Comment: Variant summary: The FBN1 c.7784G>A (p.Gly2595Asp) variant involves the alteration of a conserved nucleotide, resulting in a missense substitution in the growth factor receptor cysteine-rich domain and the EGF-like calcium-binding domain (InterPro). 4/4 in silico tools predict a damaging outcome for this variant (SNPsandGO not captured due to low reliability index). This variant is absent from the large control database ExAC (0/121166 control chromosomes). To our knowledge, the variant of interest has not been reported in affected individuals via publications, nor has it been evaluated for functional impact by in vivo/vitro studies. Due to the absence of clinical information and the lack of functional studies, the variant is classified as a variant of uncertain significance (VUS) until additional information becomes available.

Clinical Biomedical Laboratory, Shriners Hospital For Children - Canada
Classification: Pathogenic for Marfan syndrome. Review status: criteria provided, single submitter. Criteria: ACMG Guidelines, 2015. Collection method: clinical testing. Allele origin: germline. Affected: yes.
Comment: This variant is absent in the Genome Aggregation Database (gnomAD v2.1.1), indicating it is very rare. Computational tools (REVEL: 0.82) suggest that the amino acid change is deleterious to protein function. The variant has been reported in individuals with Marfan syndrome several times (e.g., PMID 28973303). Based on the ACMG variant interpretation guidelines (criteria: PS4, PM1, PP2, PM2, PM5, PP3), the available evidence supports classification of this variant as pathogenic.

Literature cited by the submitters: PubMed 19446531 (cited by Ambry Genetics); PubMed 27906200 (cited by Ambry Genetics and Labcorp Genetics (formerly Invitae), Labcorp); PubMed 28973303 (cited by 3 submitters); PubMed 24793577 (cited by Labcorp Genetics (formerly Invitae), Labcorp); PubMed 25652356 (cited by Labcorp Genetics (formerly Invitae), Labcorp).

NM_000138.5(FBN1):c.7784G>A (p.Gly2595Asp)

Gene: FBN1 (fibrillin 1; minus strand). Cytogenetic location: 15q21.1.
Variant type: single nucleotide variant.
Coding change: c.7784G>A on transcript NM_000138.5 (MANE Select); coding-DNA position 7784, G replaced by A.
Protein change: p.Gly2595Asp; replaces glycine 2595 with aspartic acid.
Molecular consequence: missense variant.
Genome position (GRCh38, 1-based): chr15:48,420,722, C>T on the plus strand (G>A on the coding strand, the complement: FBN1 is on the minus strand). VCF-style: chr15-48420722-C-T. GRCh37 (hg19) VCF-style: chr15-48712919-C-T.
Other names: short protein forms G2595D.
Identifiers: ClinVar variation 495651 (VCV000495651.12), dbSNP rs397515857, ClinGen allele CA392324563.